The following is an entry in ClinVar:

ClinVar aggregate classification (germline): Likely pathogenic (0 of 4 stars; one submission).

Conditions:
F5-related disorder. Also called: F5-related condition.

Submission:

PreventionGenetics, part of Exact Sciences
Classification: Likely pathogenic for F5-related condition. Last evaluated: 2024-03-05. Review status: no assertion criteria provided. Collection method: clinical testing. Allele origin: germline.
Comment: The F5 c.5886G>A variant is predicted to result in premature protein termination (p.Trp1962*). To our knowledge, this variant has not been reported in the literature or in a large population database, indicating this variant is rare. Nonsense variants in F5 are expected to be pathogenic. This variant is interpreted as likely pathogenic.

NM_000130.5(F5):c.5886G>A (p.Trp1962Ter)

Gene: F5 (coagulation factor V; minus strand). Cytogenetic location: 1q24.2.
Variant type: single nucleotide variant.
Coding change: c.5886G>A on transcript NM_000130.5 (MANE Select); coding-DNA position 5886, G replaced by A.
Protein change: p.Trp1962Ter; replaces tryptophan 1962 with a stop codon.
Molecular consequence: nonsense.
Genome position (GRCh38, 1-based): chr1:169,523,807, C>T on the plus strand (G>A on the coding strand, the complement: F5 is on the minus strand). VCF-style: chr1-169523807-C-T. GRCh37 (hg19) VCF-style: chr1-169493045-C-T.
Other names: short protein forms W1962*.
Identifiers: ClinVar variation 3354894 (VCV003354894.1).